The following is an entry in ClinVar:

NM_004360.5(CDH1):c.2324G>A (p.Gly775Asp)

Gene: CDH1 (cadherin 1; plus strand). Cytogenetic location: 16q22.1.
Variant type: single nucleotide variant.
Coding change: c.2324G>A on transcript NM_004360.5 (MANE Select); coding-DNA position 2324, G replaced by A.
Protein change: p.Gly775Asp; replaces glycine 775 with aspartic acid.
Molecular consequence: missense variant.
Genome position (GRCh38, 1-based): chr16:68,829,682, G>A. VCF-style: chr16-68829682-G-A. GRCh37 (hg19) VCF-style: chr16-68863585-G-A.
Other names: c.2324G>A (NM_004360.3); c.2141G>A, p.Gly714Asp (NM_001317184.2); c.776G>A, p.Gly259Asp (NM_001317185.2); c.359G>A, p.Gly120Asp (NM_001317186.2); short protein forms G775D, G120D, G259D, G714D.
Identifiers: ClinVar variation 628682 (VCV000628682.5), dbSNP rs778581202, ClinGen allele CA396470887.

ClinVar aggregate classification (germline): Uncertain significance. Review status: criteria provided, multiple submitters, no conflicts (2 of 4 stars). 3 submissions from 3 submitters: Uncertain significance (3). Last evaluated 2026-04-30.

Conditions:
Familial cancer of breast. Also called: hereditary breast carcinoma; Hereditary breast cancer; BREAST CANCER, FAMILIAL. Identifiers: Orphanet 227535, MedGen C0346153, MONDO:0016419, OMIM 114480. Disease mechanism: loss of function.
Ovarian cancer. Also called: OVARIAN CANCER, SOMATIC. Identifiers: Orphanet 213500, MedGen C1140680, MONDO:0008170, OMIM 167000.
Hereditary cancer-predisposing syndrome. Also called: Tumor predisposition; Hereditary Cancer Syndrome; Neoplastic Syndromes, Hereditary; Hereditary neoplastic syndrome. Identifiers: Orphanet 140162, MedGen C0027672, MeSH D009386, MONDO:0015356.

Allele frequency attached by ClinVar (database versions not stated): gnomAD exomes below 0.00001.
gnomAD v4.1: 5 of 1,614,100 alleles (0.00031%); highest among the groups gnomAD compares: South Asian, 0.0055%; no homozygotes.

Submissions (3):

Ambry Genetics
Classification: Uncertain significance for Hereditary cancer-predisposing syndrome. Last evaluated: 2026-04-30. Review status: criteria provided, single submitter. Criteria: Ambry Variant Classification Scheme 2023. Collection method: clinical testing. Allele origin: germline.
Comment: The p.G775D variant (also known as c.2324G>A), located in coding exon 15 of the CDH1 gene, results from a G to A substitution at nucleotide position 2324. The glycine at codon 775 is replaced by aspartic acid, an amino acid with similar properties. This amino acid position is highly conserved in available vertebrate species. In addition, this alteration is predicted to be deleterious by in silico analysis. Based on the available evidence, the clinical significance of this variant remains unclear.

Department of Pathology and Laboratory Medicine, Sinai Health System
Classification: Uncertain significance for Familial cancer of breast; Ovarian cancer. Last evaluated: 2022-12-13. Review status: criteria provided, single submitter. Criteria: ACMG Guidelines, 2015. Collection method: clinical testing. Allele origin: germline. Affected: yes.

Color Diagnostics, LLC DBA Color Health
Classification: Uncertain significance for Hereditary cancer-predisposing syndrome. Last evaluated: 2018-12-13. Review status: criteria provided, single submitter. Criteria: ACMG Guidelines, 2015. Collection method: clinical testing. Allele origin: germline.